The following is an entry in ClinVar:

NM_138694.4(PKHD1):c.9466G>A (p.Gly3156Ser)

Gene: PKHD1 (PKHD1 ciliary IPT domain containing fibrocystin/polyductin; minus strand). Cytogenetic location: 6p12.3.
Variant type: single nucleotide variant.
Coding change: c.9466G>A on transcript NM_138694.4 (MANE Select); coding-DNA position 9466, G replaced by A.
Protein change: p.Gly3156Ser; replaces glycine 3156 with serine.
Molecular consequence: missense variant.
Genome position (GRCh38, 1-based): chr6:51,748,150, C>T on the plus strand (G>A on the coding strand, the complement: PKHD1 is on the minus strand). VCF-style: chr6-51748150-C-T. GRCh37 (hg19) VCF-style: chr6-51612948-C-T.
Other names: c.9466G>A, p.Gly3156Ser (NM_170724.3); short protein forms G3156S.
Identifiers: ClinVar variation 4531248 (VCV004531248.1).

ClinVar aggregate classification (germline): Uncertain significance (1 of 4 stars; one submission).

Conditions:
Polycystic kidney disease 4 (PKD4). Also called: POLYCYSTIC KIDNEY DISEASE 4 WITH OR WITHOUT POLYCYSTIC LIVER DISEASE; POLYCYSTIC KIDNEY AND HEPATIC DISEASE 1; POLYCYSTIC KIDNEY DISEASE, INFANTILE, TYPE I; PKD3; Autosomal Recessive Polycystic Kidney Disease – PKHD1. Identifiers: MedGen C4540575, MONDO:0033004, OMIM 263200.

Submission:

Juno Genomics, Hangzhou Juno Genomics, Inc
Classification: Uncertain significance for Polycystic kidney disease 4. Review status: criteria provided, single submitter. Criteria: ACMG Guidelines, 2015. Collection method: clinical testing. Allele origin: germline. Affected: yes.
Comment: Absent from controls (or at extremely low frequency if recessive) in Genome Aggregation Database, Exome Sequencing Project, 1000 Genomes Project, or Exome Aggregation Consortium.;Multiple lines of computational evidence support a deleterious effect on the gene or gene product (conservation, evolutionary, splicing impact, etc).;Patient's phenotype or family history is highly specific for a disease with a single genetic etiology.